The following is an entry in ClinVar:

ClinVar aggregate classification (germline): Pathogenic/Likely pathogenic. Review status: criteria provided, multiple submitters, no conflicts (2 of 4 stars). 6 submissions from 6 submitters: Pathogenic (3); Likely pathogenic (3). Last evaluated 2026-09-22.

Conditions:
PKHD1-related disorder. Also called: PKHD1-related condition.
Autosomal recessive polycystic kidney disease (ARPKD). Also called: AR polycystic kidney disease. Identifiers: Orphanet 731, Orphanet 8378, MedGen C0085548, MeSH D017044, MONDO:0009889.
Polycystic kidney disease 4 (PKD4). Also called: POLYCYSTIC KIDNEY AND HEPATIC DISEASE 1; POLYCYSTIC KIDNEY DISEASE, INFANTILE, TYPE I; POLYCYSTIC KIDNEY DISEASE 4 WITH OR WITHOUT POLYCYSTIC LIVER DISEASE; Autosomal Recessive Polycystic Kidney Disease – PKHD1; PKD3. Identifiers: MedGen C4540575, MONDO:0033004, OMIM 263200.

Submissions (6):

GeneDx
Classification: Pathogenic. Last evaluated: 2026-09-22. Review status: criteria provided, single submitter. Criteria: GeneDx Variant Classification Process June 2021. Collection method: clinical testing. Allele origin: germline.
Comment: Previously seen in a fetus with bilateral nephromegaly and kidney echogenicity who harbored a second PKHD1 variant in unknown phase (PMID: 38839463); Frameshift variant predicted to result in protein truncation or nonsense mediated decay in a gene for which loss of function is a known mechanism of disease; Not observed at significant frequency in large population cohorts (gnomAD); This variant is associated with the following publications: (PMID: 38839463)

PreventionGenetics, part of Exact Sciences
Classification: Pathogenic for PKHD1-related condition. Last evaluated: 2026-03-29. Review status: criteria provided, single submitter. Criteria: ACMG Guidelines, 2015. Collection method: clinical testing. Allele origin: germline.
Comment: The PKHD1 c.2299_2306delinsTCTG variant is predicted to result in a frameshift and premature protein termination (p.Thr767Serfs*9). This variant has been reported in the compound heterozygous state with a missense variant in a fetus with bilateral nephromegaly and kidney echogenicity (Table 1, Rubio-Granda et al. 2024. PubMed ID: 38839463). This variant has not been reported in a large population database (gnomAD), indicating this variant is rare. Frameshift variants in PKHD1 are expected to be pathogenic. This variant is interpreted as pathogenic.

Natera, Inc.
Classification: Likely pathogenic for Autosomal recessive polycystic kidney disease. Last evaluated: 2026-01-20. Review status: criteria provided, single submitter. Criteria: Natera Variant Classification Schema (03/2026). Collection method: clinical testing. Allele origin: germline.
Comment: The c.2299_2306delACAGAAGAinsTCTG variant in PKHD1 is a frameshift variant predicted to shift the reading frame beginning at codon 767 and leads to a stop codon 9 codons downstream. This variant is expected to result in nonsense mediated decay, truncation, or a dysfunctional protein product. This variant is rare in the general population with a frequency below the threshold expected for the associated phenotype(s). Given the available evidence, this variant is classified as Likely Pathogenic.

Women's Health and Genetics/Laboratory Corporation of America, LabCorp
Classification: Pathogenic for Autosomal recessive polycystic kidney disease. Last evaluated: 2025-01-27. Review status: criteria provided, single submitter. Criteria: LabCorp Variant Classification Summary - May 2015. Collection method: clinical testing. Allele origin: germline.
Comment: Variant summary: PKHD1 c.2299_2306delinsTCTG (p.Thr767SerfsX9) results in a premature termination codon, predicted to cause a truncation of the encoded protein or absence of the protein due to nonsense mediated decay, which are commonly known mechanisms for disease. This variant is absent from the gnomAD database. c.2299_2306delinsTCTG has been reported in the literature in the presumed compound heterozygous state in at least 1 individual affected with clinical features of Polycystic Kidney And Hepatic Disease (example, Rubio-Granda_2024). These report(s) do not provide unequivocal conclusions about association of the variant with Polycystic Kidney And Hepatic Disease. To our knowledge, no experimental evidence demonstrating an impact on protein function has been reported. The following publication has been ascertained in the context of this evaluation (PMID: 38839463). ClinVar contains an entry for this variant (Variation ID: 423193). Based on the evidence outlined above, the variant was classified as pathogenic.

Baylor Genetics
Classification: Likely pathogenic for Polycystic kidney disease 4. Last evaluated: 2024-03-22. Review status: criteria provided, single submitter. Criteria: ACMG Guidelines, 2015. Collection method: clinical testing. Allele origin: unknown.

Fulgent Genetics
Classification: Likely pathogenic for Polycystic kidney disease 4. Last evaluated: 2021-09-30. Review status: criteria provided, single submitter. Criteria: ACMG Guidelines, 2015. Collection method: clinical testing. Allele origin: unknown.

Literature cited by the submitters: PubMed 38839463 (cited by Women's Health and Genetics/Laboratory Corporation of America, LabCorp).

NM_138694.4(PKHD1):c.2299_2306delinsTCTG (p.Thr767fs)

Gene: PKHD1 (PKHD1 ciliary IPT domain containing fibrocystin/polyductin; minus strand). Cytogenetic location: 6p12.2.
Variant type: Indel.
Coding change: c.2299_2306delinsTCTG on transcript NM_138694.4 (MANE Select); coding-DNA positions 2299 to 2306, ACAGAAGA replaced by TCTG.
Protein change: p.Thr767fs; shifts the reading frame from threonine 767.
Molecular consequence: frameshift variant.
Genome position (GRCh38, 1-based): chr6:52,048,593-52,048,600, TCTTCTGT replaced by CAGA on the plus strand (ACAGAAGA replaced by TCTG on the coding strand, the reverse complement: PKHD1 is on the minus strand). VCF-style: chr6-52048593-TCTTCTGT-CAGA. GRCh37 (hg19) VCF-style: chr6-51913391-TCTTCTGT-CAGA.
Other names: c.2299_2306delACAGAAGAinsTCTG (NM_138694.3); c.2299_2306delinsTCTG, p.Thr767fs (NM_170724.3); short protein forms T767fs.
Identifiers: ClinVar variation 423193 (VCV000423193.14), dbSNP rs1064796287, ClinGen allele CA16618296.